The following is an entry in ClinVar:

ClinVar aggregate classification (germline): Conflicting classifications of pathogenicity. Review status: criteria provided, conflicting classifications (1 of 4 stars). 4 submissions from 4 submitters: Uncertain significance (1); Likely benign (3). Last evaluated 2026-06-12.

Conditions:
Gorlin syndrome. Also called: Basal cell nevus syndrome; Nevoid Basal Cell Carcinoma Syndrome. Identifiers: Orphanet 377, MedGen C0004779, MONDO:0007187.
Hereditary cancer-predisposing syndrome. Also called: Neoplastic Syndromes, Hereditary; Tumor predisposition; Hereditary neoplastic syndrome; Hereditary Cancer Syndrome. Identifiers: Orphanet 140162, MedGen C0027672, MeSH D009386, MONDO:0015356.
PTCH1-related disorder. Also called: PTCH1-related disorders; PTCH1-related condition.

Allele frequency attached by ClinVar (database versions not stated): gnomAD exomes 0.00001 and 0.00002; ExAC 0.00002; gnomAD 0.00012; TOPMed 0.00012; ESP Exome Variant Server 0.00015.
gnomAD v4.1: 27 of 1,614,130 alleles (0.0017%); highest among the groups gnomAD compares: African/African-American, 0.036%; no homozygotes.

Submissions (4):

PreventionGenetics, part of Exact Sciences
Classification: Likely benign for PTCH1-related condition. Last evaluated: 2026-06-12. Review status: criteria provided, single submitter. Criteria: ACMG Guidelines, 2015. Collection method: clinical testing. Allele origin: germline.
Comment: This variant is classified as likely benign based on ACMG/AMP sequence variant interpretation guidelines (Richards et al. 2015 PMID: 25741868, with internal and published modifications).

Labcorp Genetics (formerly Invitae), Labcorp
Classification: Likely benign for Gorlin syndrome. Last evaluated: 2025-12-15. Review status: criteria provided, single submitter. Criteria: Invitae Variant Classification Sherloc (09022015). Collection method: clinical testing. Allele origin: germline.

Ambry Genetics
Classification: Likely benign for Hereditary cancer-predisposing syndrome. Last evaluated: 2022-01-07. Review status: criteria provided, single submitter. Criteria: Ambry Variant Classification Scheme 2023. Collection method: clinical testing. Allele origin: germline.

Quest Diagnostics Nichols Institute San Juan Capistrano
Classification: Uncertain significance. Last evaluated: 2021-07-20. Review status: criteria provided, single submitter. Criteria: Quest Diagnostics criteria. Collection method: clinical testing. Allele origin: unknown.

NM_000264.5(PTCH1):c.2528T>C (p.Met843Thr)

Genes: PTCH1 (patched 1; minus strand), LOC100507346 (uncharacterized LOC100507346; plus strand). Cytogenetic location: 9q22.32.
Variant type: single nucleotide variant.
Coding change: c.2528T>C on transcript NM_000264.5 (MANE Select); coding-DNA position 2528, T replaced by C.
Protein change: p.Met843Thr; replaces methionine 843 with threonine.
Molecular consequence: missense variant. On other transcripts: non-coding transcript variant (2).
Genome position (GRCh38, 1-based): chr9:95,467,148, A>G on the plus strand (T>C on the coding strand, the complement: PTCH1 is on the minus strand). VCF-style: chr9-95467148-A-G. GRCh37 (hg19) VCF-style: chr9-98229430-A-G.
Other names: c.2330T>C, p.Met777Thr (NM_001083602.3); c.2525T>C, p.Met842Thr (NM_001083603.3); c.2075T>C, p.Met692Thr (NM_001083604.3, NM_001083605.3, NM_001083606.3 and 1 more transcripts); c.2372T>C, p.Met791Thr (NM_001354918.2); short protein forms M692T, M777T, M842T, M843T, M791T.
Identifiers: ClinVar variation 638989 (VCV000638989.17), dbSNP rs145217620, ClinGen allele CA5138393.